The following is an entry in ClinVar:

NM_004444.5(EPHB4):c.1254G>A (p.Gly418=)

Gene: EPHB4 (EPH receptor B4; minus strand). Cytogenetic location: 7q22.1.
Variant type: single nucleotide variant.
Coding change: c.1254G>A on transcript NM_004444.5 (MANE Select); coding-DNA position 1254, G replaced by A.
Protein change: p.Gly418=; no amino-acid change (glycine 418 retained).
Molecular consequence: synonymous variant.
Genome position (GRCh38, 1-based): chr7:100,819,600, C>T on the plus strand (G>A on the coding strand, the complement: EPHB4 is on the minus strand). VCF-style: chr7-100819600-C-T. GRCh37 (hg19) VCF-style: chr7-100417222-C-T.
Other names: p.Gly418=.
Identifiers: ClinVar variation 1761509 (VCV001761509.3), dbSNP rs55843039, ClinGen allele CA4393065.

ClinVar aggregate classification (germline): Likely benign. Review status: criteria provided, multiple submitters, no conflicts (2 of 4 stars). 2 submissions from 2 submitters: Likely benign (2). Last evaluated 2025-04-14.

Conditions:
Cardiovascular phenotype. Identifiers: MedGen CN230736.

Allele frequency attached by ClinVar (database versions not stated): 1000 Genomes Project 30x 0.00016; 1000 Genomes Project 0.00020.
gnomAD v4.1: 65 of 1,592,262 alleles (0.0041%); highest among the groups gnomAD compares: South Asian, 0.021%; no homozygotes.

Submissions (2):

Mayo Clinic Laboratories, Mayo Clinic
Classification: Likely benign. Last evaluated: 2025-04-14. Review status: criteria provided, single submitter. Criteria: ACMG Guidelines, 2015. Collection method: clinical testing. Allele origin: germline. Observed: 1 variant allele.
Comment: BP4, BP7

Ambry Genetics
Classification: Likely benign for Cardiovascular phenotype. Last evaluated: 2021-08-22. Review status: criteria provided, single submitter. Criteria: Ambry Variant Classification Scheme 2023. Collection method: clinical testing. Allele origin: germline.